The following is an entry in ClinVar:

ClinVar aggregate classification (germline): Likely pathogenic (1 of 4 stars; one submission).

Conditions:
Autosomal recessive limb-girdle muscular dystrophy type 2D (LGMDR3). Also called: ADHALINOPATHY, PRIMARY; DUCHENNE-LIKE AUTOSOMAL RECESSIVE MUSCULAR DYSTROPHY, TYPE 2; MUSCULAR DYSTROPHY, LIMB-GIRDLE, AUTOSOMAL RECESSIVE 3. Identifiers: Orphanet 62, MedGen C2936332, MONDO:0011968, OMIM 608099. Disease mechanism: Affects gamma-sarcoglycan and also disrupts the integrity of the entire sarcoglycan complex..

Submission:

Natera, Inc.
Classification: Likely pathogenic for Limb-girdle muscular dystrophy type 2D. Last evaluated: 2025-05-08. Review status: criteria provided, single submitter. Criteria: Natera Variant Classification Schema (03/2026). Collection method: clinical testing. Allele origin: germline.
Comment: The c.732G>A variant in SGCA is a nonsense variant predicted to introduce a stop codon at amino acid 244. This variant is expected to result in nonsense mediated decay, truncation, or a dysfunctional protein product. This variant is rare in the general population with a frequency below the threshold expected for the associated phenotype(s). Given the available evidence, this variant is classified as Likely Pathogenic.

NM_000023.4(SGCA):c.732G>A (p.Trp244Ter)

Gene: SGCA (sarcoglycan alpha; plus strand). Cytogenetic location: 17q21.33.
Variant type: single nucleotide variant.
Coding change: c.732G>A on transcript NM_000023.4 (MANE Select); coding-DNA position 732, G replaced by A.
Protein change: p.Trp244Ter; replaces tryptophan 244 with a stop codon.
Molecular consequence: nonsense. On other transcripts: non-coding transcript variant (1), intron variant (1).
Genome position (GRCh38, 1-based): chr17:50,169,239, G>A. VCF-style: chr17-50169239-G-A. GRCh37 (hg19) VCF-style: chr17-48246600-G-A.
Other names: c.584+667G>A (NM_001135697.3); short protein forms W244*.
Identifiers: ClinVar variation 4061275 (VCV004061275.2).